The following is an entry in ClinVar:

ClinVar aggregate classification (germline): Uncertain significance. Review status: criteria provided, multiple submitters, no conflicts (2 of 4 stars). 3 submissions from 3 submitters: Uncertain significance (3). Last evaluated 2025-09-22.

Conditions:
Inborn genetic diseases. Identifiers: MedGen C0950123, MeSH D030342.

Allele frequency attached by ClinVar (database versions not stated): TOPMed 0.00002; gnomAD 0.00003; gnomAD exomes 0.00011.
gnomAD v4.1: 149 of 1,551,282 alleles (0.0096%); highest among the groups gnomAD compares: Non-Finnish European, 0.013%; no homozygotes.

Submissions (3):

Dasa
Classification: Uncertain significance. Last evaluated: 2025-09-22. Review status: criteria provided, single submitter. Criteria: DASA Assertion Criteria. Collection method: clinical testing. Allele origin: germline.
Comment: NM_001142800.2(EYS):c.4563C>A (p.Phe1521Leu) is a missense variant that results in the substitution of phenylalanine with leucine. This variant is rare in population databases. Computational prediction algorithms are consistent with a benign effect. The currently available literature and clinical evidence are not sufficient to establish a definitive association between this variant and the reported condition. Therefore, this variant is classified as a variant of uncertain significance.

Ambry Genetics
Classification: Uncertain significance for Inborn genetic diseases. Last evaluated: 2023-06-12. Review status: criteria provided, single submitter. Criteria: Ambry Variant Classification Scheme 2023. Collection method: clinical testing. Allele origin: germline.

Blueprint Genetics
Classification: Uncertain significance. Last evaluated: 2022-01-13. Review status: criteria provided, single submitter. Criteria: ACMG Guidelines, 2015. Collection method: clinical testing. Allele origin: germline.

NM_001142800.2(EYS):c.4563C>A (p.Phe1521Leu)

Gene: EYS (EGF-like photoreceptor maintenance factor; minus strand). Cytogenetic location: 6q12.
Variant type: single nucleotide variant.
Coding change: c.4563C>A on transcript NM_001142800.2 (MANE Select); coding-DNA position 4563, C replaced by A.
Protein change: p.Phe1521Leu; replaces phenylalanine 1521 with leucine.
Molecular consequence: missense variant.
Genome position (GRCh38, 1-based): chr6:64,591,304, G>T on the plus strand (C>A on the coding strand, the complement: EYS is on the minus strand). VCF-style: chr6-64591304-G-T. GRCh37 (hg19) VCF-style: chr6-65301197-G-T.
Other names: c.4563C>A, p.Phe1521Leu (NM_001292009.2); short protein forms F1521L.
Identifiers: ClinVar variation 2566068 (VCV002566068.5), dbSNP rs1401492096, ClinGen allele CA364783051.